The following is an entry in ClinVar:

NM_000097.7(CPOX):c.121C>G (p.Arg41Gly)

Genes: CPOX (coproporphyrinogen oxidase; minus strand), LOC129937121 (ATAC-STARR-seq lymphoblastoid silent region 14560; plus strand). Cytogenetic location: 3q11.2.
Variant type: single nucleotide variant.
Coding change: c.121C>G on transcript NM_000097.7 (MANE Select); coding-DNA position 121, C replaced by G.
Protein change: p.Arg41Gly; replaces arginine 41 with glycine.
Molecular consequence: missense variant.
Genome position (GRCh38, 1-based): chr3:98,593,384, G>C on the plus strand (C>G on the coding strand, the complement: CPOX is on the minus strand). VCF-style: chr3-98593384-G-C. GRCh37 (hg19) VCF-style: chr3-98312228-G-C.
Other names: c.121C>G (NM_000097.5); short protein forms R41G.
Identifiers: ClinVar variation 1896587 (VCV001896587.6), dbSNP rs1707526042, ClinGen allele CA353647103.

ClinVar aggregate classification (germline): Uncertain significance. Review status: criteria provided, multiple submitters, no conflicts (2 of 4 stars). 2 submissions from 2 submitters: Uncertain significance (2). Last evaluated 2026-05-14.

Conditions:
Inborn genetic diseases. Identifiers: MedGen C0950123, MeSH D030342.

gnomAD v4.1: 4 of 1,378,346 alleles (0.00029%); highest among the groups gnomAD compares: Non-Finnish European, 0.00019%; no homozygotes.

Submissions (2):

Ambry Genetics
Classification: Uncertain significance for Inborn genetic diseases. Last evaluated: 2026-05-14. Review status: criteria provided, single submitter. Criteria: Ambry Variant Classification Scheme 2023. Collection method: clinical testing. Allele origin: germline.

Labcorp Genetics (formerly Invitae), Labcorp
Classification: Uncertain significance. Last evaluated: 2022-08-25. Review status: criteria provided, single submitter. Criteria: Invitae Variant Classification Sherloc (09022015). Collection method: clinical testing. Allele origin: germline.
Comment: Algorithms developed to predict the effect of missense changes on protein structure and function (SIFT, PolyPhen-2, Align-GVGD) all suggest that this variant is likely to be tolerated. In summary, the available evidence is currently insufficient to determine the role of this variant in disease. Therefore, it has been classified as a Variant of Uncertain Significance. This variant has not been reported in the literature in individuals affected with CPOX-related conditions. This sequence change replaces arginine, which is basic and polar, with glycine, which is neutral and non-polar, at codon 41 of the CPOX protein (p.Arg41Gly). This variant is not present in population databases (gnomAD no frequency).